The following is an entry in ClinVar:

ClinVar aggregate classification (germline): Uncertain significance (1 of 4 stars; one submission).

Allele frequency attached by ClinVar (database versions not stated): gnomAD exomes below 0.00001; ExAC 0.00001.
gnomAD v4.1: 3 of 1,614,008 alleles (0.00019%); highest among the groups gnomAD compares: Non-Finnish European, 0.00025%; no homozygotes.

Submission:

Labcorp Genetics (formerly Invitae), Labcorp
Classification: Uncertain significance. Last evaluated: 2022-01-16. Review status: criteria provided, single submitter. Criteria: Invitae Variant Classification Sherloc (09022015). Collection method: clinical testing. Allele origin: germline.
Comment: This sequence change falls in intron 12 of the KARS gene. It does not directly change the encoded amino acid sequence of the KARS protein. It affects a nucleotide within the consensus splice site. This variant is present in population databases (rs776781414, gnomAD 0.0009%). This variant has not been reported in the literature in individuals affected with KARS-related conditions. Variants that disrupt the consensus splice site are a relatively common cause of aberrant splicing (PMID: 17576681, 9536098). Algorithms developed to predict the effect of sequence changes on RNA splicing suggest that this variant is not likely to affect RNA splicing. In summary, the available evidence is currently insufficient to determine the role of this variant in disease. Therefore, it has been classified as a Variant of Uncertain Significance.

Literature cited by the submitters: PubMed 17576681; PubMed 9536098.

NM_005548.3(KARS1):c.1425-3T>C

Genes: KARS1 (lysyl-tRNA synthetase 1; minus strand), LOC126862402 (CDK7 strongly-dependent group 2 enhancer GRCh37_chr16:75663368-75664567; plus strand). Cytogenetic location: 16q23.1.
Variant type: single nucleotide variant.
Coding change: c.1425-3T>C on transcript NM_005548.3 (MANE Select); 3 bases into the intron before coding-DNA position 1425, T replaced by C.
Molecular consequence: intron variant.
Genome position (GRCh38, 1-based): chr16:75,629,544, A>G on the plus strand (T>C on the coding strand, the complement: KARS1 is on the minus strand). VCF-style: chr16-75629544-A-G. GRCh37 (hg19) VCF-style: chr16-75663442-A-G.
Other names: c.1509-3T>C (NM_001130089.2); c.957-3T>C (NM_001378148.1).
Identifiers: ClinVar variation 2190335 (VCV002190335.1), dbSNP rs776781414, ClinGen allele CA8177235.